The following is an entry in ClinVar:

ClinVar aggregate classification (germline): Uncertain significance (1 of 4 stars; one submission).

Allele frequency attached by ClinVar (database versions not stated): TOPMed 0.00001; ESP Exome Variant Server 0.00008.

Submission:

Labcorp Genetics (formerly Invitae), Labcorp
Classification: Uncertain significance. Last evaluated: 2023-03-07. Review status: criteria provided, single submitter. Criteria: Invitae Variant Classification Sherloc (09022015). Collection method: clinical testing. Allele origin: germline.
Comment: An algorithm developed to predict the effect of missense changes on protein structure and function (PolyPhen-2) suggests that this variant is likely to be tolerated. In summary, the available evidence is currently insufficient to determine the role of this variant in disease. Therefore, it has been classified as a Variant of Uncertain Significance. This sequence change replaces leucine, which is neutral and non-polar, with proline, which is neutral and non-polar, at codon 46 of the LRRC10 protein (p.Leu46Pro). This variant is present in population databases (rs376201645, gnomAD 0.007%). This variant has not been reported in the literature in individuals affected with LRRC10-related conditions.

NM_201550.4(LRRC10):c.137T>C (p.Leu46Pro)

Gene: LRRC10 (leucine rich repeat containing 10; minus strand). Cytogenetic location: 12q15.
Variant type: single nucleotide variant.
Coding change: c.137T>C on transcript NM_201550.4 (MANE Select); coding-DNA position 137, T replaced by C.
Protein change: p.Leu46Pro; replaces leucine 46 with proline.
Molecular consequence: missense variant.
Genome position (GRCh38, 1-based): chr12:69,610,702, A>G on the plus strand (T>C on the coding strand, the complement: LRRC10 is on the minus strand). VCF-style: chr12-69610702-A-G. GRCh37 (hg19) VCF-style: chr12-70004482-A-G.
Other names: short protein forms L46P.
Identifiers: ClinVar variation 2739815 (VCV002739815.3), dbSNP rs376201645, ClinGen allele CA6681130.